The following is an entry in ClinVar:

NM_002471.4(MYH6):c.4650+10G>A

Gene: MYH6 (myosin heavy chain 6; minus strand). Cytogenetic location: 14q11.2.
Variant type: single nucleotide variant.
Coding change: c.4650+10G>A on transcript NM_002471.4 (MANE Select); 10 bases into the intron after coding-DNA position 4650, G replaced by A.
Molecular consequence: intron variant.
Genome position (GRCh38, 1-based): chr14:23,387,519, C>T on the plus strand (G>A on the coding strand, the complement: MYH6 is on the minus strand). VCF-style: chr14-23387519-C-T. GRCh37 (hg19) VCF-style: chr14-23856728-C-T.
Identifiers: ClinVar variation 470542 (VCV000470542.22), dbSNP rs760975924, ClinGen allele CA7114698.

ClinVar aggregate classification (germline): Likely benign. Review status: criteria provided, multiple submitters, no conflicts (2 of 4 stars). 4 submissions from 4 submitters: Likely benign (4). Last evaluated 2026-01-05.

Conditions:
MYH6-related disorder. Also called: MYH6-Related Disorders; MYH6-related condition.
Hypertrophic cardiomyopathy 14. Identifiers: MedGen C2750467, MONDO:0013197, OMIM 613251.

Allele frequency attached by ClinVar (database versions not stated): TOPMed 0.00003; ExAC 0.00004; gnomAD 0.00005; gnomAD exomes 0.00006.
gnomAD v4.1: 100 of 1,612,648 alleles (0.0062%); highest among the groups gnomAD compares: Admixed American, 0.025%; no homozygotes.

Submissions (4):

Labcorp Genetics (formerly Invitae), Labcorp
Classification: Likely benign for Hypertrophic cardiomyopathy 14. Last evaluated: 2026-01-05. Review status: criteria provided, single submitter. Criteria: Invitae Variant Classification Sherloc (09022015). Collection method: clinical testing. Allele origin: germline.

PreventionGenetics, part of Exact Sciences
Classification: Likely benign for MYH6-related condition. Last evaluated: 2025-12-22. Review status: criteria provided, single submitter. Criteria: ACMG Guidelines, 2015. Collection method: clinical testing. Allele origin: germline.
Comment: This variant is classified as likely benign based on ACMG/AMP sequence variant interpretation guidelines (Richards et al. 2015 PMID: 25741868, with internal and published modifications).

ARUP Laboratories, Molecular Genetics and Genomics, ARUP Laboratories
Classification: Likely benign. Last evaluated: 2024-09-03. Review status: criteria provided, single submitter. Criteria: ARUP Molecular Germline Variant Investigation Process 2024. Collection method: clinical testing. Allele origin: germline.

Blueprint Genetics
Classification: Likely benign. Last evaluated: 2020-09-08. Review status: criteria provided, single submitter. Criteria: ACMG Guidelines, 2015. Collection method: clinical testing. Allele origin: germline.